The following is an entry in ClinVar:

ClinVar aggregate classification (germline): Likely benign. Review status: criteria provided, multiple submitters, no conflicts (2 of 4 stars). 2 submissions from 2 submitters: Likely benign (2). Last evaluated 2026-01-17.

Conditions:
Lysinuric protein intolerance (LPI). Identifiers: Orphanet 470, MedGen C0268647, MONDO:0009109, OMIM 222700.

Allele frequency attached by ClinVar (database versions not stated): gnomAD exomes 0.00001; gnomAD 0.00002 and 0.00003; TOPMed 0.00002; ExAC 0.00002.
gnomAD v4.1: 21 of 1,614,162 alleles (0.0013%); highest among the groups gnomAD compares: Admixed American, 0.0067%; no homozygotes.

Submissions (2):

Labcorp Genetics (formerly Invitae), Labcorp
Classification: Likely benign for Lysinuric protein intolerance. Last evaluated: 2026-01-17. Review status: criteria provided, single submitter. Criteria: Invitae Variant Classification Sherloc (09022015). Collection method: clinical testing. Allele origin: germline.

GeneDx
Classification: Likely benign. Last evaluated: 2016-11-02. Review status: criteria provided, single submitter. Criteria: GeneDx Variant Classification (06012015). Collection method: clinical testing. Allele origin: germline. Affected: yes.
Comment: This variant is considered likely benign or benign based on one or more of the following criteria: it is a conservative change, it occurs at a poorly conserved position in the protein, it is predicted to be benign by multiple in silico algorithms, and/or has population frequency not consistent with disease.

NM_003982.4(SLC7A7):c.681C>T (p.Asp227=)

Gene: SLC7A7 (solute carrier family 7 member 7; minus strand). Cytogenetic location: 14q11.2.
Variant type: single nucleotide variant.
Coding change: c.681C>T on transcript NM_003982.4 (MANE Select); coding-DNA position 681, C replaced by T.
Protein change: p.Asp227=; no amino-acid change (aspartic acid 227 retained).
Molecular consequence: synonymous variant.
Genome position (GRCh38, 1-based): chr14:22,778,882, G>A on the plus strand (C>T on the coding strand, the complement: SLC7A7 is on the minus strand). VCF-style: chr14-22778882-G-A. GRCh37 (hg19) VCF-style: chr14-23248091-G-A.
Other names: c.681C>T, p.Asp227= (NM_001126105.3, NM_001126106.4).
Identifiers: ClinVar variation 390078 (VCV000390078.11), dbSNP rs774892456, ClinGen allele CA7104627.